The following is an entry in ClinVar:

ClinVar aggregate classification (germline): Uncertain significance. Review status: criteria provided, multiple submitters, no conflicts (2 of 4 stars). 2 submissions from 2 submitters: Uncertain significance (2). Last evaluated 2019-09-25.

Conditions:
Inborn genetic diseases. Identifiers: MedGen C0950123, MeSH D030342.

Submissions (2):

Laboratory for Molecular Medicine, Mass General Brigham Personalized Medicine
Classification: Uncertain significance. Last evaluated: 2019-09-25. Review status: criteria provided, single submitter. Criteria: LMM Criteria. Collection method: clinical testing. Allele origin: germline. Observed: 1 variant allele.
Comment: The p.Lys286Glu variant in POU4F3 has not been previously reported in individuals with hearing loss and was absent from large population studies. Computational prediction tools and conservation analysis suggest that this variant may impact the protein, though this information is not predictive enough to determine pathogenicity. In summary, the clinical significance of this variant is uncertain. ACMG/AMP Criteria applied: PM2, PP3.

Ambry Genetics
Classification: Uncertain significance for Inborn genetic diseases. Last evaluated: 2016-07-27. Review status: criteria provided, single submitter. Criteria: Ambry exome assertion method (8-5-2015). Collection method: clinical testing. Allele origin: germline. Affected: yes. Observed: 1 variant allele.

NM_002700.3(POU4F3):c.856A>G (p.Lys286Glu)

Genes: POU4F3 (POU class 4 homeobox 3; plus strand), RBM27-POU4F3 (RBM27-POU4F3 readthrough; plus strand). Cytogenetic location: 5q32.
Variant type: single nucleotide variant.
Coding change: c.856A>G on transcript NM_002700.3 (MANE Select); coding-DNA position 856, A replaced by G.
Protein change: p.Lys286Glu; replaces lysine 286 with glutamic acid.
Molecular consequence: missense variant.
Genome position (GRCh38, 1-based): chr5:146,340,283, A>G. VCF-style: chr5-146340283-A-G. GRCh37 (hg19) VCF-style: chr5-145719846-A-G.
Other names: short protein forms K286E.
Identifiers: ClinVar variation 929921 (VCV000929921.7), dbSNP rs1760435357, ClinGen allele CA361622771.